The following is an entry in ClinVar:

NM_021930.6(RINT1):c.403T>G (p.Leu135Val)

Gene: RINT1 (RAD50 interactor 1; plus strand). Cytogenetic location: 7q22.3.
Variant type: single nucleotide variant.
Coding change: c.403T>G on transcript NM_021930.6 (MANE Select); coding-DNA position 403, T replaced by G.
Protein change: p.Leu135Val; replaces leucine 135 with valine.
Molecular consequence: missense variant. On other transcripts: 5 prime UTR variant (3), non-coding transcript variant (1).
Genome position (GRCh38, 1-based): chr7:105,542,537, T>G. VCF-style: chr7-105542537-T-G. GRCh37 (hg19) VCF-style: chr7-105182984-T-G.
Other names: c.169T>G, p.Leu57Val (NM_001346599.2); c.-617T>G (NM_001346600.2); c.-520T>G (NM_001346601.2); c.-140T>G (NM_001346603.2); short protein forms L135V, L57V.
Identifiers: ClinVar variation 2448436 (VCV002448436.5), dbSNP rs2485112744, ClinGen allele CA368803454.
Genomic context (GRCh38, chr7:105,542,537, plus strand): 5'-CAATTTCTTAATCAGTTTCTGGAGCAGGAAACTCATCTCTTCAGCGCCATTAACAGCCAT[T>G]TGCTGACTGCGCAACCTTGGATGGACGATCTTGGAACCATGATTAGCCAGATTGAAGAGA-3'
Protein context (NP_068749.3, residues 125-145): THLFSAINSH[Leu135Val]LTAQPWMDDL

ClinVar aggregate classification (germline): Uncertain significance. Review status: criteria provided, multiple submitters, no conflicts (2 of 4 stars). 2 submissions from 2 submitters: Uncertain significance (2). Last evaluated 2023-03-05.

Allele frequency attached by ClinVar (database versions not stated): gnomAD exomes 0.00001.
gnomAD v4.1: 6 of 1,614,152 alleles (0.00037%); highest among the groups gnomAD compares: Non-Finnish European, 0.00051%; no homozygotes.

Submissions (2):

Ambry Genetics
Classification: Uncertain significance. Last evaluated: 2023-03-05. Review status: criteria provided, single submitter. Criteria: Ambry Variant Classification Scheme 2023. Collection method: clinical testing. Allele origin: germline.
Comment: The p.L135V variant (also known as c.403T>G), located in coding exon 4 of the RINT1 gene, results from a T to G substitution at nucleotide position 403. The leucine at codon 135 is replaced by valine, an amino acid with highly similar properties. This amino acid position is conserved. In addition, this alteration is predicted to be tolerated by in silico analysis. Since supporting evidence is limited at this time, the clinical significance of this alteration remains unclear.

Labcorp Genetics (formerly Invitae), Labcorp
Classification: Uncertain significance. Last evaluated: 2023-02-14. Review status: criteria provided, single submitter. Criteria: Invitae Variant Classification Sherloc (09022015). Collection method: clinical testing. Allele origin: germline.
Comment: This sequence change replaces leucine, which is neutral and non-polar, with valine, which is neutral and non-polar, at codon 135 of the RINT1 protein (p.Leu135Val). This variant is not present in population databases (gnomAD no frequency). This variant has not been reported in the literature in individuals affected with RINT1-related conditions. An algorithm developed to predict the effect of missense changes on protein structure and function (PolyPhen-2) suggests that this variant is likely to be disruptive. In summary, the available evidence is currently insufficient to determine the role of this variant in disease. Therefore, it has been classified as a Variant of Uncertain Significance.